The following is an entry in ClinVar:

ClinVar aggregate classification (germline): Likely benign. Review status: criteria provided, single submitter (1 of 4 stars). 2 submissions from 2 submitters: Likely benign (1). 1 of the submissions does not count toward it. Last evaluated 2018-01-13.

Conditions:
Short stature due to primary acid-labile subunit deficiency. Also called: Acid-labile subunit deficiency; Acid-labile subunit, deficiency of. Identifiers: Orphanet 140941, MedGen C3900122, MONDO:0014420, OMIM 615961.
IGFALS-related disorder. Also called: IGFALS-related condition.

Allele frequency attached by ClinVar (database versions not stated): gnomAD exomes 0.00007 and 0.00025; gnomAD 0.00011 and 0.00019; TOPMed 0.00024; ExAC 0.00034; 1000 Genomes Project 0.00160; 1000 Genomes Project 30x 0.00172.
gnomAD v4.1: 143 of 1,610,034 alleles (0.0089%); highest among the groups gnomAD compares: East Asian, 0.21%; 1 homozygote.

Submissions (2):

Illumina Laboratory Services, Illumina
Classification: Likely benign for Short stature due to primary acid-labile subunit deficiency. Last evaluated: 2018-01-13. Review status: criteria provided, single submitter. Criteria: ICSL Variant Classification Criteria 13 December 2019. Collection method: clinical testing. Allele origin: germline.
Comment: This variant was observed in the ICSL laboratory as part of a predisposition screen in an ostensibly healthy population. It had not been previously curated by ICSL or reported in the Human Gene Mutation Database (HGMD: prior to June 1st, 2018), and was therefore a candidate for classification through an automated scoring system. Utilizing variant allele frequency, disease prevalence and penetrance estimates, and inheritance mode, an automated score was calculated to assess if this variant is too frequent to cause the disease. Based on the score and internal cut-off values, a variant classified as likely benign is not then subjected to further curation. The score for this variant resulted in a classification of likely benign for this disease.

PreventionGenetics, part of Exact Sciences
Classification: Likely benign for IGFALS-related condition. Last evaluated: 2024-01-05. Review status: no assertion criteria provided. Collection method: clinical testing. Allele origin: germline. Not counted in ClinVar's aggregate classification.
Comment: This variant is classified as likely benign based on ACMG/AMP sequence variant interpretation guidelines (Richards et al. 2015 PMID: 25741868, with internal and published modifications).

NM_004970.3(IGFALS):c.920C>T (p.Pro307Leu)

Gene: IGFALS (insulin like growth factor binding protein acid labile subunit; minus strand). Cytogenetic location: 16p13.3.
Variant type: single nucleotide variant.
Coding change: c.920C>T on transcript NM_004970.3 (MANE Select); coding-DNA position 920, C replaced by T.
Protein change: p.Pro307Leu; replaces proline 307 with leucine.
Molecular consequence: missense variant. On other transcripts: non-coding transcript variant (1).
Genome position (GRCh38, 1-based): chr16:1,791,498, G>A on the plus strand (C>T on the coding strand, the complement: IGFALS is on the minus strand). VCF-style: chr16-1791498-G-A. GRCh37 (hg19) VCF-style: chr16-1841499-G-A.
Other names: c.1034C>T, p.Pro345Leu (NM_001146006.2); short protein forms P307L, P345L.
Identifiers: ClinVar variation 318247 (VCV000318247.7), dbSNP rs34297640, ClinGen allele CA7820456.